The following is an entry in ClinVar:

NM_183050.4(BCKDHB):c.1038+2T>G

Gene: BCKDHB (branched chain keto acid dehydrogenase E1 subunit beta; plus strand). Cytogenetic location: 6q14.1.
Variant type: single nucleotide variant.
Coding change: c.1038+2T>G on transcript NM_183050.4 (MANE Select); the canonical splice donor site of the intron after coding-DNA position 1038, T replaced by G.
Molecular consequence: splice donor variant. On other transcripts: missense variant (1), non-coding transcript variant (2).
Genome position (GRCh38, 1-based): chr6:80,273,223, T>G. VCF-style: chr6-80273223-T-G. GRCh37 (hg19) VCF-style: chr6-80982940-T-G.
Other names: c.1040T>G, p.Val347Gly (NM_001424041.1); c.828+2T>G (NM_001318975.1, NM_001424043.1); c.1038+2T>G (NM_001424037.1, NM_001424036.1, NM_001424035.1 and 4 more transcripts); short protein forms V347G.
Identifiers: ClinVar variation 4817015 (VCV004817015.1).
Genomic context (GRCh38, chr6:80,273,223, plus strand): 5'-TCAGTCACGAGGCTCCCTTGACAGGCGGCTTTGCATCGGAAATCAGCTCTACAGTTCAGG[T>G]AGAGTAATTTTTGGAACTGATTTCAATGCTTGTGCAATTCCACATGCCAATTCCAGAAGA-3'

ClinVar aggregate classification (germline): Likely pathogenic (1 of 4 stars; one submission).

Conditions:
Maple syrup urine disease type 1B (MSUD1B). Also called: MSUD type IB; MSUD type 3 (formerly); MSUD due to deficiency of e1-beta subunit of branched-chain alpha-keto acid dehydrogenase complex. Identifiers: MedGen C2930990, MONDO:0023692, OMIM 620698.

Submission:

Natera, Inc.
Classification: Likely pathogenic for Maple syrup urine disease type 1B. Last evaluated: 2024-04-10. Review status: criteria provided, single submitter. Criteria: Natera Variant Classification Schema (03/2026). Collection method: clinical testing. Allele origin: germline.
Comment: The c.1038+2T>G variant in BCKDHB is a canonical splice donor site variant predicted to affect pre-mRNA splicing, which may result in an abnormal transcript and altered protein product. This variant is expected to result in nonsense mediated decay, truncation, or a dysfunctional protein product. This variant is rare in the general population with a frequency below the threshold expected for the associated phenotype(s). Given the available evidence, this variant is classified as Likely Pathogenic.